The following is an entry in ClinVar:

ClinVar aggregate classification (germline): Uncertain significance (1 of 4 stars; one submission).

Conditions:
Lowe syndrome (OCRL). Also called: LOWE OCULOCEREBRORENAL SYNDROME; PHOSPHATIDYLINOSITOL 4,5-BISPHOSPHATE 5-PHOSPHATASE DEFICIENCY; Oculocerebrorenal Syndrome. Identifiers: Orphanet 534, MedGen C0028860, MONDO:0010645, OMIM 309000.

Submission:

Labcorp Genetics (formerly Invitae), Labcorp
Classification: Uncertain significance for Lowe syndrome. Last evaluated: 2023-08-29. Review status: criteria provided, single submitter. Criteria: Invitae Variant Classification Sherloc (09022015). Collection method: clinical testing. Allele origin: germline.
Comment: This variant has not been reported in the literature in individuals affected with OCRL-related conditions. This variant is not present in population databases (gnomAD no frequency). This sequence change affects codon 792 of the OCRL mRNA. It is a 'silent' change, meaning that it does not change the encoded amino acid sequence of the OCRL protein. Algorithms developed to predict the effect of sequence changes on RNA splicing suggest that this variant may disrupt the consensus splice site. In summary, the available evidence is currently insufficient to determine the role of this variant in disease. Therefore, it has been classified as a Variant of Uncertain Significance.

NM_000276.4(OCRL):c.2376C>G (p.Leu792=)

Gene: OCRL (OCRL inositol polyphosphate-5-phosphatase; plus strand). Cytogenetic location: Xq26.1.
Variant type: single nucleotide variant.
Coding change: c.2376C>G on transcript NM_000276.4 (MANE Select); coding-DNA position 2376, C replaced by G.
Protein change: p.Leu792=; no amino-acid change (leucine 792 retained).
Molecular consequence: synonymous variant.
Genome position (GRCh38, 1-based): chrX:129,588,920, C>G. VCF-style: chrX-129588920-C-G. GRCh37 (hg19) VCF-style: chrX-128722897-C-G.
Other names: c.2379C>G, p.Leu793= (NM_001318784.2); c.2352C>G, p.Leu784= (NM_001587.4).
Identifiers: ClinVar variation 2716957 (VCV002716957.3), dbSNP rs1432112363, ClinGen allele CA518546310.